The following is an entry in ClinVar:

NM_000069.3(CACNA1S):c.1957C>G (p.Leu653Val)

Gene: CACNA1S (calcium voltage-gated channel subunit alpha1 S; minus strand). Cytogenetic location: 1q32.1.
Variant type: single nucleotide variant.
Coding change: c.1957C>G on transcript NM_000069.3 (MANE Select); coding-DNA position 1957, C replaced by G.
Protein change: p.Leu653Val; replaces leucine 653 with valine.
Molecular consequence: missense variant.
Genome position (GRCh38, 1-based): chr1:201,074,612, G>C on the plus strand (C>G on the coding strand, the complement: CACNA1S is on the minus strand). VCF-style: chr1-201074612-G-C. GRCh37 (hg19) VCF-style: chr1-201043740-G-C.
Other names: short protein forms L653V.
Identifiers: ClinVar variation 4790749 (VCV004790749.1).

ClinVar aggregate classification (germline): Uncertain significance (1 of 4 stars; one submission).

Conditions:
Malignant hyperthermia, susceptibility to, 5 (MHS5). Also called: CACNA1S-Related Malignant Hyperthermia Susceptibility. Identifiers: Orphanet 423, MedGen C1866077, MONDO:0011163, OMIM 601887.
Hypokalemic periodic paralysis, type 1. Also called: HypoPP; Hypokalemic Periodic Paralysis Type 1 (AD). Identifiers: Orphanet 681, MedGen C3714580, MONDO:0042979, OMIM 170400.

Submission:

Labcorp Genetics (formerly Invitae), Labcorp
Classification: Uncertain significance for Hypokalemic periodic paralysis, type 1; Malignant hyperthermia, susceptibility to, 5. Last evaluated: 2025-04-28. Review status: criteria provided, single submitter. Criteria: Invitae Variant Classification Sherloc (09022015). Collection method: clinical testing. Allele origin: germline.
Comment: This sequence change replaces leucine, which is neutral and non-polar, with valine, which is neutral and non-polar, at codon 653 of the CACNA1S protein (p.Leu653Val). This variant is not present in population databases (gnomAD no frequency). This variant has not been reported in the literature in individuals affected with CACNA1S-related conditions. Invitae Evidence Modeling of protein sequence and biophysical properties (such as structural, functional, and spatial information, amino acid conservation, physicochemical variation, residue mobility, and thermodynamic stability) has been performed for this missense variant. However, the output from this modeling did not meet the statistical confidence thresholds required to predict the impact of this variant on CACNA1S protein function. In summary, the available evidence is currently insufficient to determine the role of this variant in disease. Therefore, it has been classified as a Variant of Uncertain Significance.